The following is an entry in ClinVar:

NM_001035.3(RYR2):c.8273A>G (p.Lys2758Arg)

Gene: RYR2 (ryanodine receptor 2; plus strand). Cytogenetic location: 1q43.
Variant type: single nucleotide variant.
Coding change: c.8273A>G on transcript NM_001035.3 (MANE Select); coding-DNA position 8273, A replaced by G.
Protein change: p.Lys2758Arg; replaces lysine 2758 with arginine.
Molecular consequence: missense variant.
Genome position (GRCh38, 1-based): chr1:237,660,049, A>G. VCF-style: chr1-237660049-A-G. GRCh37 (hg19) VCF-style: chr1-237823349-A-G.
Other names: c.8273A>G, p.Lys2758Arg (LRG_402t1); short protein forms K2758R.
Identifiers: ClinVar variation 191486 (VCV000191486.1), dbSNP rs200053476, ClinGen allele CA010929.
Genomic context (GRCh38, chr1:237,660,049, plus strand): 5'-CAAATGGATGGATTTATGGAGAAATATATTCAGACTCTTCTAAGGTTCAGCCATTAATGA[A>G]GCCATATAAGCTATTGTCTGAAAAGGTAAGGATTTTTTGTTTGTTTTAGTTTGTAAAGTT-3'
Protein context (NP_001026.2, residues 2748-2768): SDSSKVQPLM[Lys2758Arg]PYKLLSEKEK

ClinVar aggregate classification (germline): Uncertain significance (1 of 4 stars; one submission).

Allele frequency attached by ClinVar (database versions not stated): gnomAD exomes below 0.00001.
gnomAD v4.1: 1 of 1,577,430 alleles (0.000063%); highest among the groups gnomAD compares: Non-Finnish European, 0.000086%; no homozygotes.

Submission:

Biesecker Lab/Clinical Genomics Section, National Institutes of Health
Classification: Uncertain significance. Last evaluated: 2013-06-24. Review status: criteria provided, single submitter. Criteria: Ng et al. (Circ Cardiovasc Genet. 2013). Collection method: research. Allele origin: unknown. Observed: 1 variant allele. Study: ClinSeq.
Comment: The study set was not selected for affection status in relation to any cancer. Pathogenicity categories were based on literature curation. See Pubmed ID:23861362 for details.

Medical sequencing